The following is an entry in ClinVar:

ClinVar aggregate classification (germline): Uncertain significance. Review status: criteria provided, multiple submitters, no conflicts (2 of 4 stars). 2 submissions from 2 submitters: Uncertain significance (2). Last evaluated 2024-10-03.

Conditions:
Limb-mammary syndrome (LMS). Also called: Mammary hypoplasia, ectrodactyly, and other hand/foot anomalies. Identifiers: Orphanet 69085, MedGen C1863753, MONDO:0011334, OMIM 603543.
Ankyloblepharon-ectodermal defects-cleft lip/palate syndrome. Also called: Ankyloblepharon-ectodermal defects, cleft lip/palate; Hay-Wells syndrome of ectodermal dysplasia; AEC SYNDROME; Ankyloblepharon-Ectodermal Defects-Cleft Lip/Palate Syndrome (AEC Syndrome); HAY-WELLS SYNDROME. Identifiers: Orphanet 1071, MedGen C0406709, MONDO:0007124, OMIM 106260.
Ectrodactyly, ectodermal dysplasia, and cleft lip-palate syndrome 3. Also called: Ectrodactyly, Ectodermal Dysplasia, Clefting Syndrome; EEC SYNDROME 3; Ectrodactyly, Ectodermal Dysplasia, Clefting Syndrome Type 3 (EEC3); Ectrodactyly, Ectodermal Dysplasia, Cleft Lip/Palate Syndrome 3 (EEC3). Identifiers: Orphanet 1896, MedGen C1858562, MONDO:0011428, OMIM 604292.
Premature ovarian failure 21 (POF21). Identifiers: MedGen C5830399, MONDO:0957216, OMIM 620311.
Rapp-Hodgkin syndrome (RHS). Also called: ECTODERMAL DYSPLASIA, ANHIDROTIC, WITH CLEFT LIP/PALATE; Rapp-Hodgkin ectodermal dysplasia syndrome; Isolated Cleft Lip/Cleft Palate (Orofacial Cleft 8). Identifiers: MedGen C1785148, MONDO:0007508, OMIM 129400.
Orofacial cleft 8. Also called: Cleft lip with or without cleft palate, nonsyndromic, 8. Identifiers: MedGen C1851878, MONDO:0029145, OMIM 618149.
ADULT syndrome. Also called: ACRO-DERMATO-UNGUAL-LACRIMAL-TOOTH SYNDROME; Acro-dermato-ungual-lacrimal-tooth (adult) syndrome; Acro-Dermo-Ungual-Lacrimal-Tooth Syndrome (ADULT Syndrome). Identifiers: Orphanet 978, MedGen C1863204, MONDO:0007072, OMIM 103285.
Split hand-foot malformation 4. Also called: Split-Hand/Foot Malformation Type 4 (SHFM4 syndrome); Split-Hand/Foot Malformation Type 4 (SHFM4). Identifiers: Orphanet 2440, MedGen C1854442, MONDO:0011535, OMIM 605289.
TP63-Related Spectrum Disorders.

Allele frequency attached by ClinVar (database versions not stated): gnomAD exomes below 0.00001; TOPMed 0.00001.
gnomAD v4.1: 8 of 1,613,868 alleles (0.0005%); highest among the groups gnomAD compares: East Asian, 0.016%; no homozygotes.

Submissions (2):

Labcorp Genetics (formerly Invitae), Labcorp
Classification: Uncertain significance. Last evaluated: 2024-10-03. Review status: criteria provided, single submitter. Criteria: Invitae Variant Classification Sherloc (09022015). Collection method: clinical testing. Allele origin: germline.
Comment: This sequence change replaces serine, which is neutral and polar, with glycine, which is neutral and non-polar, at codon 621 of the TP63 protein (p.Ser621Gly). This variant is present in population databases (no rsID available, gnomAD 0.05%). This variant has not been reported in the literature in individuals affected with TP63-related conditions. ClinVar contains an entry for this variant (Variation ID: 2158990). Invitae Evidence Modeling of protein sequence and biophysical properties (such as structural, functional, and spatial information, amino acid conservation, physicochemical variation, residue mobility, and thermodynamic stability) indicates that this missense variant is not expected to disrupt TP63 protein function with a negative predictive value of 80%. In summary, the available evidence is currently insufficient to determine the role of this variant in disease. Therefore, it has been classified as a Variant of Uncertain Significance.

Fulgent Genetics
Classification: Uncertain significance for ADULT syndrome; Ankyloblepharon-ectodermal defects-cleft lip/palate syndrome; Rapp-Hodgkin syndrome; Limb-mammary syndrome; Ectrodactyly, ectodermal dysplasia, and cleft lip-palate syndrome 3; Split hand-foot malformation 4; Orofacial cleft 8; Premature ovarian failure 21. Last evaluated: 2024-01-22. Review status: criteria provided, single submitter. Criteria: ACMG Guidelines, 2015. Collection method: clinical testing. Allele origin: germline.

NM_003722.5(TP63):c.1861A>G (p.Ser621Gly)

Gene: TP63 (tumor protein p63; plus strand). Cytogenetic location: 3q28.
Variant type: single nucleotide variant.
Coding change: c.1861A>G on transcript NM_003722.5 (MANE Select); coding-DNA position 1861, A replaced by G.
Protein change: p.Ser621Gly; replaces serine 621 with glycine.
Molecular consequence: missense variant. On other transcripts: 3 prime UTR variant (6).
Genome position (GRCh38, 1-based): chr3:189,894,320, A>G. VCF-style: chr3-189894320-A-G. GRCh37 (hg19) VCF-style: chr3-189612109-A-G.
Other names: c.*99A>G (NM_001114978.2, NM_001114981.2); c.1579A>G, p.Ser527Gly (NM_001114980.2); c.*89A>G (NM_001329144.2, NM_001329145.2, NM_001329149.2 and 1 more transcripts); c.1324A>G, p.Ser442Gly (NM_001329146.2); c.1849A>G, p.Ser617Gly (NM_001329148.2); c.1855A>G, p.Ser619Gly (NM_001329964.2); short protein forms S442G, S617G, S621G, S527G, S619G.
Identifiers: ClinVar variation 2158990 (VCV002158990.4), dbSNP rs1379436019, ClinGen allele CA355751354.